The following is an entry in ClinVar:

ClinVar aggregate classification (germline): Benign/Likely benign. Review status: criteria provided, multiple submitters, no conflicts (2 of 4 stars). 4 submissions from 4 submitters: Benign (1); Likely benign (3). Last evaluated 2026-01-11.

Conditions:
Joubert syndrome 23 (JBTS23). Identifiers: Orphanet 475, MedGen C4084822, MONDO:0014664, OMIM 616490.
Short-rib thoracic dysplasia 14 with polydactyly (SRTD14). Identifiers: Orphanet 397715, MedGen C4225286, MONDO:0014688, OMIM 616546.

Allele frequency attached by ClinVar (database versions not stated): gnomAD exomes 0.00069 and 0.00127; ExAC 0.00157; 1000 Genomes Project 0.00240; 1000 Genomes Project 30x 0.00250; gnomAD 0.00011 and 0.00044; TOPMed 0.00014.
gnomAD v4.1: 1,082 of 1,613,882 alleles (0.067%); highest among the groups gnomAD compares: South Asian, 0.95%; 10 homozygotes.

Submissions (4):

Labcorp Genetics (formerly Invitae), Labcorp
Classification: Benign for Joubert syndrome 23; Short-rib thoracic dysplasia 14 with polydactyly. Last evaluated: 2026-01-11. Review status: criteria provided, single submitter. Criteria: Invitae Variant Classification Sherloc (09022015). Collection method: clinical testing. Allele origin: germline.

CeGaT Center for Human Genetics Tuebingen
Classification: Likely benign. Last evaluated: 2025-09-01. Review status: criteria provided, single submitter. Criteria: CeGaT Center For Human Genetics Tuebingen Variant Classification Criteria Version 2. Collection method: clinical testing. Allele origin: germline. Affected: yes. Observed: 1 variant allele.
Comment: KIAA0586: BP4, BS2

Blueprint Genetics
Classification: Likely benign. Last evaluated: 2024-11-26. Review status: criteria provided, single submitter. Criteria: ACMG Guidelines, 2015. Collection method: clinical testing. Allele origin: germline.

GeneDx
Classification: Likely benign. Last evaluated: 2020-10-30. Review status: criteria provided, single submitter. Criteria: GeneDx Variant Classification Process June 2021. Collection method: clinical testing. Allele origin: germline. Affected: yes.

NM_001329943.3(KIAA0586):c.42T>A (p.Ile14=)

Gene: KIAA0586 (KIAA0586; plus strand). Cytogenetic location: 14q23.1.
Variant type: single nucleotide variant.
Coding change: c.42T>A on transcript NM_001329943.3 (MANE Select); coding-DNA position 42, T replaced by A.
Protein change: p.Ile14=; no amino-acid change (isoleucine 14 retained).
Molecular consequence: synonymous variant. On other transcripts: 5 prime UTR variant (1), intron variant (5).
Genome position (GRCh38, 1-based): chr14:58,428,306, T>A. VCF-style: chr14-58428306-T-A. GRCh37 (hg19) VCF-style: chr14-58895024-T-A.
Other names: c.78T>A, p.Ile26= (NM_001244189.2); c.-4T>A (NM_001244190.2); c.42T>A, p.Ile14= (NM_001329944.2, NM_001329946.2, NM_001329947.2 and 1 more transcripts); c.-57+669T>A (NM_001244192.2, NM_001244191.2); c.-57+493T>A (NM_001364701.2, NM_001329945.2, NM_001364700.1).
Identifiers: ClinVar variation 772917 (VCV000772917.21), dbSNP rs554948147, ClinGen allele CA7205252.